The following is an entry in ClinVar:

ClinVar aggregate classification (germline): Uncertain significance (1 of 4 stars; one submission).

Allele frequency attached by ClinVar (database versions not stated): ExAC 0.00001; ESP Exome Variant Server 0.00008.
gnomAD v4.1: 23 of 1,613,946 alleles (0.0014%); highest among the groups gnomAD compares: East Asian, 0.0089%; no homozygotes.

Submission:

Labcorp Genetics (formerly Invitae), Labcorp
Classification: Uncertain significance. Last evaluated: 2026-01-12. Review status: criteria provided, single submitter. Criteria: Invitae Variant Classification Sherloc (09022015). Collection method: clinical testing. Allele origin: germline.
Comment: This sequence change replaces aspartic acid, which is acidic and polar, with asparagine, which is neutral and polar, at codon 334 of the RUNX2 protein (p.Asp334Asn). This variant is present in population databases (rs373752642, gnomAD 0.007%). This missense change has been observed in individual(s) with craniosynostosis (PMID: 32360898). ClinVar contains an entry for this variant (Variation ID: 1990252). Invitae Evidence Modeling of protein sequence and biophysical properties (such as structural, functional, and spatial information, amino acid conservation, physicochemical variation, residue mobility, and thermodynamic stability) indicates that this missense variant is not expected to disrupt RUNX2 protein function with a negative predictive value of 80%. Experimental studies have shown that this missense change affects RUNX2 function (PMID: 32360898). In summary, the available evidence is currently insufficient to determine the role of this variant in disease. Therefore, it has been classified as a Variant of Uncertain Significance.

Literature cited by the submitters: PubMed 32360898.

NM_001024630.4(RUNX2):c.1000G>A (p.Asp334Asn)

Gene: RUNX2 (RUNX family transcription factor 2; plus strand). Cytogenetic location: 6p21.1.
Variant type: single nucleotide variant.
Coding change: c.1000G>A on transcript NM_001024630.4 (MANE Select); coding-DNA position 1000, G replaced by A.
Protein change: p.Asp334Asn; replaces aspartic acid 334 with asparagine.
Molecular consequence: missense variant.
Genome position (GRCh38, 1-based): chr6:45,512,386, G>A. VCF-style: chr6-45512386-G-A. GRCh37 (hg19) VCF-style: chr6-45480123-G-A.
Other names: c.1000G>A, p.Asp334Asn (NM_001015051.4); c.958G>A, p.Asp320Asn (NM_001278478.2, NM_001369405.1, NM_004348.3); short protein forms D320N, D334N.
Identifiers: ClinVar variation 1990252 (VCV001990252.4), dbSNP rs373752642, ClinGen allele CA3836544.